The following is an entry in ClinVar:

ClinVar aggregate classification (germline): Uncertain significance (1 of 4 stars; one submission).

Conditions:
RASopathy. Also called: Noonan spectrum disorder; rasopathies. Identifiers: Orphanet 536391, MedGen C5555857, MONDO:0021060.

Submission:

Labcorp Genetics (formerly Invitae), Labcorp
Classification: Uncertain significance for RASopathy. Last evaluated: 2025-02-04. Review status: criteria provided, single submitter. Criteria: Invitae Variant Classification Sherloc (09022015). Collection method: clinical testing. Allele origin: germline.
Comment: This sequence change replaces phenylalanine, which is neutral and non-polar, with valine, which is neutral and non-polar, at codon 238 of the RAF1 protein (p.Phe238Val). This variant is not present in population databases (gnomAD no frequency). This variant has not been reported in the literature in individuals affected with RAF1-related conditions. Invitae Evidence Modeling incorporating data from in vitro experimental studies (internal data) did not meet the statistical confidence thresholds required to predict the impact of this variant on RAF1 function. In summary, the available evidence is currently insufficient to determine the role of this variant in disease. Therefore, it has been classified as a Variant of Uncertain Significance.

NM_002880.4(RAF1):c.712T>G (p.Phe238Val)

Gene: RAF1 (Raf-1 proto-oncogene, serine/threonine kinase; minus strand). Cytogenetic location: 3p25.2.
Variant type: single nucleotide variant.
Coding change: c.712T>G on transcript NM_002880.4 (MANE Select); coding-DNA position 712, T replaced by G.
Protein change: p.Phe238Val; replaces phenylalanine 238 with valine.
Molecular consequence: missense variant. On other transcripts: non-coding transcript variant (3).
Genome position (GRCh38, 1-based): chr3:12,604,258, A>C on the plus strand (T>G on the coding strand, the complement: RAF1 is on the minus strand). VCF-style: chr3-12604258-A-C. GRCh37 (hg19) VCF-style: chr3-12645757-A-C.
Other names: c.712T>G, p.Phe238Val (NM_001354689.3, NM_001354690.3); c.469T>G, p.Phe157Val (NM_001354691.3, NM_001354692.3, NM_001354694.3); c.613T>G, p.Phe205Val (NM_001354693.3); c.370T>G, p.Phe124Val (NM_001354695.3); short protein forms F157V, F238V, F205V, F124V.
Identifiers: ClinVar variation 3635604 (VCV003635604.2).
Genomic context (GRCh38, chr3:12,604,258, plus strand): 5'-TCGACCTCTGCCTCTGGGAGAGGGAACCTTCAGATGAGGGACTGGAGGTGTTAAAGGTGA[A>C]GGCGTGAGGTGTAGAATATCTGTGCTGAGAACTAGGAGGAGAAAGAAAATTCCATGATTG-3'
Protein context (NP_002871.1, residues 228-248): SQHRYSTPHA[Phe238Val]TFNTSSPSSE